The following is an entry in ClinVar:

ClinVar aggregate classification (germline): Uncertain significance. Review status: criteria provided, multiple submitters, no conflicts (2 of 4 stars). 2 submissions from 2 submitters: Uncertain significance (2). Last evaluated 2025-07-16.

Conditions:
Surfactant metabolism dysfunction, pulmonary, 1. Also called: Pulmonary surfactant protein B, deficiency of; Neonatal acute respiratory distress due to SP-B deficiency; INTERSTITIAL LUNG DISEASE DUE TO SURFACTANT PROTEIN B DEFICIENCY; INTERSTITIAL LUNG DISEASE, NONSPECIFIC, DUE TO SURFACTANT PROTEIN B DEFICIENCY; PULMONARY ALVEOLAR PROTEINOSIS, CONGENITAL, 1. Identifiers: Orphanet 217563, MedGen C1968602, MONDO:0009929, OMIM 265120.

Allele frequency attached by ClinVar (database versions not stated): gnomAD exomes 0.00001; ExAC 0.00003.
gnomAD v4.1: 4 of 1,613,338 alleles (0.00025%); highest among the groups gnomAD compares: Non-Finnish European, 0.00034%; no homozygotes.

Submissions (2):

GeneDx
Classification: Uncertain significance. Last evaluated: 2025-07-16. Review status: criteria provided, single submitter. Criteria: GeneDx Variant Classification Process June 2021. Collection method: clinical testing. Allele origin: germline. Affected: yes.
Comment: Not observed at significant frequency in large population cohorts (gnomAD); In silico analysis suggests that this variant does not alter splicing; Has not been previously published as pathogenic or benign to our knowledge

Illumina Laboratory Services, Illumina
Classification: Uncertain significance for Surfactant metabolism dysfunction, pulmonary, 1. Last evaluated: 2018-01-13. Review status: criteria provided, single submitter. Criteria: ICSL Variant Classification Criteria 13 December 2019. Collection method: clinical testing. Allele origin: germline.

NM_000542.5(SFTPB):c.582+5G>A

Gene: SFTPB (surfactant protein B; minus strand). Cytogenetic location: 2p11.2.
Variant type: single nucleotide variant.
Coding change: c.582+5G>A on transcript NM_000542.5 (MANE Select); 5 bases into the intron after coding-DNA position 582, G replaced by A.
Molecular consequence: intron variant.
Genome position (GRCh38, 1-based): chr2:85,665,601, C>T on the plus strand (G>A on the coding strand, the complement: SFTPB is on the minus strand). VCF-style: chr2-85665601-C-T. GRCh37 (hg19) VCF-style: chr2-85892724-C-T.
Other names: c.582+5G>A (NM_198843.3, NM_001367281.1).
Identifiers: ClinVar variation 899338 (VCV000899338.5), dbSNP rs755711266, ClinGen allele CA1743998.